The following is an entry in ClinVar:

NM_000237.3(LPL):c.485C>T (p.Ala162Val)

Gene: LPL (lipoprotein lipase; plus strand). Cytogenetic location: 8p21.3.
Variant type: single nucleotide variant.
Coding change: c.485C>T on transcript NM_000237.3 (MANE Select); coding-DNA position 485, C replaced by T.
Protein change: p.Ala162Val; replaces alanine 162 with valine.
Molecular consequence: missense variant.
Genome position (GRCh38, 1-based): chr8:19,953,365, C>T. VCF-style: chr8-19953365-C-T. GRCh37 (hg19) VCF-style: chr8-19810876-C-T.
Other names: short protein forms A162V.
Identifiers: ClinVar variation 2568385 (VCV002568385.2), dbSNP rs2069951751, ClinGen allele CA370468121.

ClinVar aggregate classification (germline): Uncertain significance (1 of 4 stars; one submission).

Conditions:
Cardiovascular phenotype. Identifiers: MedGen CN230736.

Allele frequency attached by ClinVar (database versions not stated): gnomAD exomes 0.00001.
gnomAD v4.1: 3 of 1,613,948 alleles (0.00019%); highest among the groups gnomAD compares: Non-Finnish European, 0.00025%; no homozygotes.

Submission:

Ambry Genetics
Classification: Uncertain significance for Cardiovascular phenotype. Last evaluated: 2023-06-01. Review status: criteria provided, single submitter. Criteria: Ambry Variant Classification Scheme 2023. Collection method: clinical testing. Allele origin: germline.
Comment: The p.A162V variant (also known as c.485C>T), located in coding exon 4 of the LPL gene, results from a C to T substitution at nucleotide position 485. The alanine at codon 162 is replaced by valine, an amino acid with similar properties. This amino acid position is conserved. In addition, this alteration is predicted to be deleterious by in silico analysis. Since supporting evidence is limited at this time, the clinical significance of this alteration remains unclear.